The following is an entry in ClinVar:

ClinVar aggregate classification (germline): Uncertain significance (1 of 4 stars; one submission).

Submission:

Labcorp Genetics (formerly Invitae), Labcorp
Classification: Uncertain significance. Last evaluated: 2024-02-19. Review status: criteria provided, single submitter. Criteria: Invitae Variant Classification Sherloc (09022015). Collection method: clinical testing. Allele origin: germline.
Comment: This sequence change replaces proline, which is neutral and non-polar, with leucine, which is neutral and non-polar, at codon 147 of the RP1 protein (p.Pro147Leu). This variant is not present in population databases (gnomAD no frequency). This variant has not been reported in the literature in individuals affected with RP1-related conditions. ClinVar contains an entry for this variant (Variation ID: 1994930). An algorithm developed to predict the effect of missense changes on protein structure and function (PolyPhen-2) suggests that this variant is likely to be tolerated. In summary, the available evidence is currently insufficient to determine the role of this variant in disease. Therefore, it has been classified as a Variant of Uncertain Significance.

NM_006269.2(RP1):c.440C>T (p.Pro147Leu)

Gene: RP1 (RP1 axonemal microtubule associated; plus strand). Cytogenetic location: 8q12.1.
Variant type: single nucleotide variant.
Coding change: c.440C>T on transcript NM_006269.2 (MANE Select); coding-DNA position 440, C replaced by T.
Protein change: p.Pro147Leu; replaces proline 147 with leucine.
Molecular consequence: missense variant.
Genome position (GRCh38, 1-based): chr8:54,621,406, C>T. VCF-style: chr8-54621406-C-T. GRCh37 (hg19) VCF-style: chr8-55533966-C-T.
Other names: c.440C>T, p.Pro147Leu (NM_001375654.1); short protein forms P147L.
Identifiers: ClinVar variation 1994930 (VCV001994930.4), dbSNP rs2536557270, ClinGen allele CA370986844.